The following is an entry in ClinVar:

NM_032043.3(BRIP1):c.429G>A (p.Gln143=)

Gene: BRIP1 (BRCA1 interacting DNA helicase 1; minus strand). Cytogenetic location: 17q23.2.
Variant type: single nucleotide variant.
Coding change: c.429G>A on transcript NM_032043.3 (MANE Select); coding-DNA position 429, G replaced by A.
Protein change: p.Gln143=; no amino-acid change (glutamine 143 retained).
Molecular consequence: synonymous variant.
Genome position (GRCh38, 1-based): chr17:61,849,207, C>T on the plus strand (G>A on the coding strand, the complement: BRIP1 is on the minus strand). VCF-style: chr17-61849207-C-T. GRCh37 (hg19) VCF-style: chr17-59926568-C-T.
Identifiers: ClinVar variation 918391 (VCV000918391.6), dbSNP rs2078780171, ClinGen allele CA501150906.

ClinVar aggregate classification (germline): Benign/Likely benign. Review status: criteria provided, multiple submitters, no conflicts (2 of 4 stars). 4 submissions from 4 submitters: Benign (1); Likely benign (3). Last evaluated 2025-11-02.

Conditions:
Hereditary cancer-predisposing syndrome. Also called: Hereditary Cancer Syndrome; Hereditary neoplastic syndrome; Neoplastic Syndromes, Hereditary; Tumor predisposition. Identifiers: Orphanet 140162, MedGen C0027672, MeSH D009386, MONDO:0015356.
Familial cancer of breast. Also called: hereditary breast carcinoma; BREAST CANCER, FAMILIAL; Hereditary breast cancer. Identifiers: Orphanet 227535, MedGen C0346153, MONDO:0016419, OMIM 114480. Disease mechanism: loss of function.
Fanconi anemia complementation group J. Also called: BRIP1-Related Fanconi Anemia. Identifiers: Orphanet 84, MedGen C1836860, MONDO:0012187, OMIM 609054.

Allele frequency attached by ClinVar (database versions not stated): gnomAD exomes below 0.00001.
gnomAD v4.1: 1 of 1,612,918 alleles (0.000062%); highest among the groups gnomAD compares: East Asian, 0.0022%; no homozygotes.

Submissions (4):

Labcorp Genetics (formerly Invitae), Labcorp
Classification: Likely benign for Familial cancer of breast; Fanconi anemia complementation group J. Last evaluated: 2025-11-02. Review status: criteria provided, single submitter. Criteria: Invitae Variant Classification Sherloc (09022015). Collection method: clinical testing. Allele origin: germline.

Myriad Genetics, Inc.
Classification: Benign for Familial cancer of breast. Last evaluated: 2024-08-21. Review status: criteria provided, single submitter. Criteria: Myriad Autosomal Dominant, Autosomal Recessive and X-Linked Classification Criteria (2023). Collection method: clinical testing. Allele origin: unknown.
Comment: This variant is considered benign. This variant is a silent/synonymous amino acid change and it is not expected to impact splicing.

Ambry Genetics
Classification: Likely benign for Hereditary cancer-predisposing syndrome. Last evaluated: 2021-12-30. Review status: criteria provided, single submitter. Criteria: Ambry Variant Classification Scheme 2023. Collection method: clinical testing. Allele origin: germline.

Color Diagnostics, LLC DBA Color Health
Classification: Likely benign for Hereditary cancer-predisposing syndrome. Last evaluated: 2019-03-11. Review status: criteria provided, single submitter. Criteria: ACMG Guidelines, 2015. Collection method: clinical testing. Allele origin: germline.